The following is an entry in ClinVar:

ClinVar aggregate classification (germline): Likely benign (0 of 4 stars; one submission).

Conditions:
FSIP2-related disorder. Also called: FSIP2-related condition.

Allele frequency attached by ClinVar (database versions not stated): 1000 Genomes Project 0.00020; 1000 Genomes Project 30x 0.00031; gnomAD 0.00039; TOPMed 0.00046.
gnomAD v4.1: 80 of 1,251,326 alleles (0.0064%); highest among the groups gnomAD compares: African/African-American, 0.11%; no homozygotes.

Submission:

PreventionGenetics, part of Exact Sciences
Classification: Likely benign for FSIP2-related condition. Last evaluated: 2020-01-02. Review status: no assertion criteria provided. Collection method: clinical testing. Allele origin: germline.
Comment: This variant is classified as likely benign based on ACMG/AMP sequence variant interpretation guidelines (Richards et al. 2015 PMID: 25741868, with internal and published modifications).

NM_173651.4(FSIP2):c.417G>A (p.Lys139=)

Gene: FSIP2 (fibrous sheath interacting protein 2; plus strand). Cytogenetic location: 2q32.1.
Variant type: single nucleotide variant.
Coding change: c.417G>A on transcript NM_173651.4 (MANE Select); coding-DNA position 417, G replaced by A.
Protein change: p.Lys139=; no amino-acid change (lysine 139 retained).
Molecular consequence: synonymous variant.
Genome position (GRCh38, 1-based): chr2:185,744,351, G>A. VCF-style: chr2-185744351-G-A. GRCh37 (hg19) VCF-style: chr2-186609078-G-A.
Identifiers: ClinVar variation 3042041 (VCV003042041.2), dbSNP rs7565249, ClinGen allele CA2016440.